The following is an entry in ClinVar:

ClinVar aggregate classification (germline): Benign (0 of 4 stars; one submission).

Conditions:
AMZ2-related disorder. Also called: AMZ2-related condition.

Allele frequency attached by ClinVar (database versions not stated): gnomAD exomes 0.00139; ExAC 0.00436; 1000 Genomes Project 0.01218; 1000 Genomes Project 30x 0.01312; gnomAD 0.01409; ESP Exome Variant Server 0.01430; TOPMed 0.01584.

Submission:

PreventionGenetics, part of Exact Sciences
Classification: Benign for AMZ2-related condition. Last evaluated: 2019-02-28. Review status: no assertion criteria provided. Collection method: clinical testing. Allele origin: germline.
Comment: This variant is classified as benign based on ACMG/AMP sequence variant interpretation guidelines (Richards et al. 2015 PMID: 25741868, with internal and published modifications).

NM_016627.5(AMZ2):c.992A>G (p.His331Arg)

Gene: AMZ2 (archaelysin family metallopeptidase 2; plus strand). Cytogenetic location: 17q24.2.
Variant type: single nucleotide variant.
Coding change: c.992A>G on transcript NM_016627.5 (MANE Select); coding-DNA position 992, A replaced by G.
Protein change: p.His331Arg; replaces histidine 331 with arginine.
Molecular consequence: missense variant. On other transcripts: non-coding transcript variant (2).
Genome position (GRCh38, 1-based): chr17:68,256,878, A>G. VCF-style: chr17-68256878-A-G. GRCh37 (hg19) VCF-style: chr17-66253019-A-G.
Other names: c.992A>G, p.His331Arg (NM_001033569.2, NM_001033570.2, NM_001033571.1 and 12 more transcripts); c.818A>G, p.His273Arg (NM_001033574.2, NM_001346480.1); c.890A>G, p.His297Arg (NM_001346481.1, NM_001346482.1, NM_001346483.2 and 1 more transcripts); c.824A>G, p.His275Arg (NM_001346485.2); short protein forms H273R, H275R, H297R, H331R.
Identifiers: ClinVar variation 3039332 (VCV003039332.2), dbSNP rs113287202, ClinGen allele CA8727714.